The following is an entry in ClinVar:

ClinVar aggregate classification (germline): Uncertain significance (1 of 4 stars; one submission).

Conditions:
Intellectual developmental disorder with dysmorphic facies and behavioral abnormalities. Identifiers: MedGen C4748135, MONDO:0060760, OMIM 618089.

Submission:

Pittsburgh Clinical Genomics Laboratory, University of Pittsburgh Medical Center
Classification: Uncertain significance for Intellectual developmental disorder with dysmorphic facies and behavioral abnormalities. Last evaluated: 2024-04-11. Review status: criteria provided, single submitter. Criteria: ACMG Guidelines, 2015. Collection method: clinical testing. Allele origin: germline. Inheritance: Autosomal dominant inheritance. Affected: yes.
Comment: This sequence variant is a single nucleotide substitution (G>A) five bases into the donor splice site of intron 22 at position 2654+5 of the coding sequence of the FBXO11 gene. This variant is absent from ClinVar and, to our knowledge, has not been observed in an individual affected by a FBXO11-related disorder in the published literature. This variant is absent from the gnomAD v4.0.0 population database (0 of approximately 626,000 alleles). In silico splice predictors indicate that this variant will disrupt the splicing of intron 22 and the base at this position is strongly conserved across the vertebrate species examined. Studies examining the functional consequence of this variant have not been published, to our knowledge. At this time, there is insufficient evidence to determine if this variant is pathogenic or benign. Therefore, we consider this a variant of uncertain significance. ACMG Criteria: PM2, PP3, PS2

NM_001190274.2(FBXO11):c.2654+5G>A

Genes: FBXO11 (F-box protein 11; minus strand), MSH6 (mutS homolog 6; plus strand). Cytogenetic location: 2p16.3.
Variant type: single nucleotide variant.
Coding change: c.2654+5G>A on transcript NM_001190274.2 (MANE Select); 5 bases into the intron after coding-DNA position 2654, G replaced by A.
Molecular consequence: intron variant.
Genome position (GRCh38, 1-based): chr2:47,808,324, C>T on the plus strand (G>A on the coding strand, the complement: FBXO11 is on the minus strand). VCF-style: chr2-47808324-C-T. GRCh37 (hg19) VCF-style: chr2-48035463-C-T.
Other names: c.*43+1421C>T (NM_001406809.1); c.*40+1424C>T (NM_001406796.1, NM_001406811.1, NM_001406805.1 and 2 more transcripts); c.2402+5G>A (NM_001374325.1, NM_025133.4).
Identifiers: ClinVar variation 3376470 (VCV003376470.1).